The following is an entry in ClinVar:

NM_001083962.2(TCF4):c.1397C>G (p.Ser466Cys)

Gene: TCF4 (transcription factor 4; minus strand). Cytogenetic location: 18q21.2.
Variant type: single nucleotide variant.
Coding change: c.1397C>G on transcript NM_001083962.2 (MANE Select); coding-DNA position 1397, C replaced by G.
Protein change: p.Ser466Cys; replaces serine 466 with cysteine.
Molecular consequence: missense variant.
Genome position (GRCh38, 1-based): chr18:55,234,637, G>C on the plus strand (C>G on the coding strand, the complement: TCF4 is on the minus strand). VCF-style: chr18-55234637-G-C. GRCh37 (hg19) VCF-style: chr18-52901868-G-C.
Other names: c.1394C>G, p.Ser465Cys (NM_001369574.1, NM_001330604.3, NM_001369569.1 and 2 more transcripts); c.1325C>G, p.Ser442Cys (NM_001369575.1, NM_001369582.1, NM_001369583.1 and 5 more transcripts); c.1322C>G, p.Ser441Cys (NM_001369576.1, NM_001369577.1, NM_001369578.1 and 6 more transcripts); c.1328C>G, p.Ser443Cys (NM_001369586.1); c.1397C>G, p.Ser466Cys (NM_003199.3, NM_001369567.1, NM_001369568.1 and 2 more transcripts); c.1703C>G, p.Ser568Cys (NM_001243226.3); c.1415C>G, p.Ser472Cys (NM_001243228.2); c.1388C>G, p.Ser463Cys (NM_001243230.2); and 6 more; short protein forms S250C, S305C, S306C, S336C, S395C, S424C, S441C, S442C.
Identifiers: ClinVar variation 3383395 (VCV003383395.2).

ClinVar aggregate classification (germline): Uncertain significance (1 of 4 stars; one submission).

Submission:

Centre of Medical Genetics, University Hospital Muenster
Classification: Uncertain significance. Last evaluated: 2023-03-23. Review status: criteria provided, single submitter. Criteria: ACMG Guidelines, 2015. Collection method: clinical testing. Allele origin: unknown. Affected: yes. Observed: 1 variant allele, 1 heterozygote.
Comment: ACMG categories: PM2,PP3,BP1